The following is an entry in ClinVar:

ClinVar aggregate classification (germline): Pathogenic (1 of 4 stars; one submission).

Conditions:
Bardet-Biedl syndrome (BBS). Identifiers: Orphanet 110, MedGen C0752166, MONDO:0015229.

Submission:

Labcorp Genetics (formerly Invitae), Labcorp
Classification: Pathogenic for Bardet-Biedl syndrome. Last evaluated: 2023-07-12. Review status: criteria provided, single submitter. Criteria: Invitae Variant Classification Sherloc (09022015). Collection method: clinical testing. Allele origin: unknown.
Comment: This variant is a gross deletion of the genomic region encompassing exon(s) 10-17 of the BBS1 gene, which includes the termination codon. This deletion extends beyond the assayed region for this gene and therefore may encompass additional genes. While this deletion is not anticipated to lead to nonsense mediated decay, it is expected to alter mRNA translation or result in a truncated protein product. A similar copy number variant has been observed in individual(s) with BBS1-related Bardet-Biedl syndrome (PMID: 27486776). This variant disrupts a region of the BBS1 protein in which other variant(s) (p.Leu288Arg) have been determined to be pathogenic (PMID: 20177705, 24611592, 26082521). This suggests that this is a clinically significant region of the protein, and that variants that disrupt it are likely to be disease-causing. For these reasons, this variant has been classified as Pathogenic.

Literature cited by the submitters: PubMed 27486776; PubMed 20177705; PubMed 24611592; PubMed 26082521.

NC_000011.9:g.(?_66290907)_(66299508_?)del

Gene: BBS1 (Bardet-Biedl syndrome 1; plus strand). Cytogenetic location: 11q13.2.
Variant type: Deletion.
Identifiers: ClinVar variation 3244594 (VCV003244594.1).